The following is an entry in ClinVar:

ClinVar aggregate classification (germline): Likely pathogenic. Review status: criteria provided, multiple submitters, no conflicts (2 of 4 stars). 2 submissions from 2 submitters: Likely pathogenic (2). Last evaluated 2024-11-18.

Conditions:
Hereditary spastic paraplegia 46. Also called: Spastic paraplegia 46, autosomal recessive. Identifiers: Orphanet 320391, MedGen C2828721, MONDO:0013737, OMIM 614409.
Spastic paraplegia. Identifiers: MedGen C0037772, HP:0001258.

Allele frequency attached by ClinVar (database versions not stated): gnomAD exomes below 0.00001; TOPMed below 0.00001; gnomAD 0.00001.
gnomAD v4.1: 6 of 1,613,244 alleles (0.00037%); highest among the groups gnomAD compares: Non-Finnish European, 0.00051%; no homozygotes.

Submissions (2):

Labcorp Genetics (formerly Invitae), Labcorp
Classification: Likely pathogenic for Spastic paraplegia. Last evaluated: 2024-11-18. Review status: criteria provided, single submitter. Criteria: Invitae Variant Classification Sherloc (09022015). Collection method: clinical testing. Allele origin: germline.
Comment: This sequence change affects a donor splice site in intron 9 of the GBA2 gene. It is expected to disrupt RNA splicing. Variants that disrupt the donor or acceptor splice site typically lead to a loss of protein function (PMID: 16199547), and loss-of-function variants in GBA2 are known to be pathogenic (PMID: 23332916, 23332917). This variant is present in population databases (no rsID available, gnomAD 0.002%). This variant has not been reported in the literature in individuals affected with GBA2-related conditions. ClinVar contains an entry for this variant (Variation ID: 992195). Algorithms developed to predict the effect of sequence changes on RNA splicing suggest that this variant may disrupt the consensus splice site. In summary, the currently available evidence indicates that the variant is pathogenic, but additional data are needed to prove that conclusively. Therefore, this variant has been classified as Likely Pathogenic.

Women's Health and Genetics/Laboratory Corporation of America, LabCorp
Classification: Likely pathogenic for Spastic paraplegia 46, autosomal recessive. Last evaluated: 2020-12-18. Review status: criteria provided, single submitter. Criteria: LabCorp Variant Classification Summary - May 2015. Collection method: clinical testing. Allele origin: germline.
Comment: Variant summary: GBA2 c.1582+2T>G is located in a canonical splice-site and is predicted to affect mRNA splicing resulting in a significantly altered protein due to either exon skipping, shortening, or inclusion of intronic material. Several computational tools predict a significant impact on normal splicing: Two predict the variant abolishes a 5' splicing donor site. However, these predictions have yet to be confirmed by functional studies. The variant allele was found at a frequency of 4e-06 in 250322 control chromosomes (gnomAD). To our knowledge, no occurrence of c.1582+2T>G in individuals affected with Spastic Paraplegia 46, Autosomal Recessive and no experimental evidence demonstrating its impact on protein function have been reported. No clinical diagnostic laboratories have submitted clinical-significance assessments for this variant to ClinVar after 2014. Other splice-site variants in GBA2 gene have been reported in online databases (HGMD) to be associated with disease. Based on the evidence outlined above, the variant was classified as likely pathogenic.

Literature cited by the submitters: PubMed 16199547 (cited by Labcorp Genetics (formerly Invitae), Labcorp); PubMed 23332916 (cited by Labcorp Genetics (formerly Invitae), Labcorp); PubMed 23332917 (cited by Labcorp Genetics (formerly Invitae), Labcorp).

NM_020944.3(GBA2):c.1582+2T>G

Gene: GBA2 (glucosylceramidase beta 2; minus strand). Cytogenetic location: 9p13.3.
Variant type: single nucleotide variant.
Coding change: c.1582+2T>G on transcript NM_020944.3 (MANE Select); the canonical splice donor site of the intron after coding-DNA position 1582, T replaced by G.
Molecular consequence: splice donor variant.
Genome position (GRCh38, 1-based): chr9:35,739,626, A>C on the plus strand (T>G on the coding strand, the complement: GBA2 is on the minus strand). VCF-style: chr9-35739626-A-C. GRCh37 (hg19) VCF-style: chr9-35739623-A-C.
Other names: c.1582+2T>G (NM_001330660.2).
Identifiers: ClinVar variation 992195 (VCV000992195.6), dbSNP rs941656065, ClinGen allele CA192759805.